The following is an entry in ClinVar:

ClinVar aggregate classification (germline): Uncertain significance. Review status: criteria provided, multiple submitters, no conflicts (2 of 4 stars). 2 submissions from 2 submitters: Uncertain significance (2). Last evaluated 2025-07-08.

Conditions:
Inborn genetic diseases. Identifiers: MedGen C0950123, MeSH D030342.

gnomAD v4.1: 2 of 1,598,748 alleles (0.00013%); highest among the groups gnomAD compares: East Asian, 0.0023%; no homozygotes.

Submissions (2):

Labcorp Genetics (formerly Invitae), Labcorp
Classification: Uncertain significance. Last evaluated: 2025-07-08. Review status: criteria provided, single submitter. Criteria: Invitae Variant Classification Sherloc (09022015). Collection method: clinical testing. Allele origin: germline.
Comment: This sequence change replaces asparagine, which is neutral and polar, with serine, which is neutral and polar, at codon 2862 of the DCHS1 protein (p.Asn2862Ser). This variant is present in population databases (no rsID available, gnomAD 0.006%). This variant has not been reported in the literature in individuals affected with DCHS1-related conditions. ClinVar contains an entry for this variant (Variation ID: 3838510). Invitae Evidence Modeling of protein sequence and biophysical properties (such as structural, functional, and spatial information, amino acid conservation, physicochemical variation, residue mobility, and thermodynamic stability) indicates that this missense variant is not expected to disrupt DCHS1 protein function with a negative predictive value of 80%. In summary, the available evidence is currently insufficient to determine the role of this variant in disease. Therefore, it has been classified as a Variant of Uncertain Significance.

Ambry Genetics
Classification: Uncertain significance for Inborn genetic diseases. Last evaluated: 2025-01-27. Review status: criteria provided, single submitter. Criteria: Ambry Variant Classification Scheme 2023. Collection method: clinical testing. Allele origin: germline.

NM_003737.4(DCHS1):c.8585A>G (p.Asn2862Ser)

Gene: DCHS1 (dachsous cadherin-related 1; minus strand). Cytogenetic location: 11p15.4.
Variant type: single nucleotide variant.
Coding change: c.8585A>G on transcript NM_003737.4 (MANE Select); coding-DNA position 8585, A replaced by G.
Protein change: p.Asn2862Ser; replaces asparagine 2862 with serine.
Molecular consequence: missense variant.
Genome position (GRCh38, 1-based): chr11:6,623,091, T>C on the plus strand (A>G on the coding strand, the complement: DCHS1 is on the minus strand). VCF-style: chr11-6623091-T-C. GRCh37 (hg19) VCF-style: chr11-6644322-T-C.
Other names: short protein forms N2862S.
Identifiers: ClinVar variation 3838510 (VCV003838510.2).